The following is an entry in ClinVar:

ClinVar aggregate classification (germline): Uncertain significance (1 of 4 stars; one submission).

Conditions:
Inborn genetic diseases. Identifiers: MedGen C0950123, MeSH D030342.

gnomAD v4.1: 8 of 1,613,884 alleles (0.0005%); highest among the groups gnomAD compares: Non-Finnish European, 0.00068%; no homozygotes.

Submission:

Ambry Genetics
Classification: Uncertain significance for Inborn genetic diseases. Last evaluated: 2022-05-12. Review status: criteria provided, single submitter. Criteria: Ambry Variant Classification Scheme 2023. Collection method: clinical testing. Allele origin: germline.
Comment: The p.D2154H variant (also known as c.6460G>C), located in coding exon 38 of the ATR gene, results from a G to C substitution at nucleotide position 6460. The aspartic acid at codon 2154 is replaced by histidine, an amino acid with similar properties. This amino acid position is conserved. In addition, this alteration is predicted to be tolerated by in silico analysis. Since supporting evidence is limited at this time, the clinical significance of this alteration remains unclear.

NM_001184.4(ATR):c.6460G>C (p.Asp2154His)

Gene: ATR (ATR checkpoint kinase; minus strand). Cytogenetic location: 3q23.
Variant type: single nucleotide variant.
Coding change: c.6460G>C on transcript NM_001184.4 (MANE Select); coding-DNA position 6460, G replaced by C.
Protein change: p.Asp2154His; replaces aspartic acid 2154 with histidine.
Molecular consequence: missense variant.
Genome position (GRCh38, 1-based): chr3:142,469,429, C>G on the plus strand (G>C on the coding strand, the complement: ATR is on the minus strand). VCF-style: chr3-142469429-C-G. GRCh37 (hg19) VCF-style: chr3-142188271-C-G.
Other names: c.6268G>C, p.Asp2090His (NM_001354579.2); short protein forms D2090H, D2154H.
Identifiers: ClinVar variation 1753656 (VCV001753656.2), dbSNP rs202193482, ClinGen allele CA354804664.
Genomic context (GRCh38, chr3:142,469,429, plus strand): 5'-GTTGAGGATAGGCTAGAAATACTTTGGCTATTATTTCCATCAAGACAACAAAAACTTCAT[C>G]GTGAGAATGACAAATTCGAGAGATCAATTGTGAAAAAGCAGTCAAAAATTGATATGGAGC-3'
Protein context (NP_001175.2, residues 2144-2164): QLISRICHSH[Asp2154His]EVFVVLMEII